The following is an entry in ClinVar:

NM_000297.4(PKD2):c.2509G>A (p.Glu837Lys)

Gene: PKD2 (polycystin 2, transient receptor potential cation channel; plus strand). Cytogenetic location: 4q22.1.
Variant type: single nucleotide variant.
Coding change: c.2509G>A on transcript NM_000297.4 (MANE Select); coding-DNA position 2509, G replaced by A.
Protein change: p.Glu837Lys; replaces glutamic acid 837 with lysine.
Molecular consequence: missense variant. On other transcripts: non-coding transcript variant (1).
Genome position (GRCh38, 1-based): chr4:88,068,048, G>A. VCF-style: chr4-88068048-G-A. GRCh37 (hg19) VCF-style: chr4-88989200-G-A.
Other names: short protein forms E837K.
Identifiers: ClinVar variation 2914182 (VCV002914182.3), dbSNP rs573742641, ClinGen allele CA3004262.

ClinVar aggregate classification (germline): Uncertain significance (1 of 4 stars; one submission).

Conditions:
Autosomal dominant polycystic kidney disease. Identifiers: Orphanet 730, MedGen C0085413, MONDO:0004691.

Allele frequency attached by ClinVar (database versions not stated): ExAC 0.00002; gnomAD exomes 0.00002; gnomAD 0.00003; 1000 Genomes Project 30x 0.00016; 1000 Genomes Project 0.00020.
gnomAD v4.1: 31 of 1,614,042 alleles (0.0019%); highest among the groups gnomAD compares: East Asian, 0.0022%; no homozygotes.

Submission:

Labcorp Genetics (formerly Invitae), Labcorp
Classification: Uncertain significance for Autosomal dominant polycystic kidney disease. Last evaluated: 2023-07-18. Review status: criteria provided, single submitter. Criteria: Invitae Variant Classification Sherloc (09022015). Collection method: clinical testing. Allele origin: germline.
Comment: In summary, the available evidence is currently insufficient to determine the role of this variant in disease. Therefore, it has been classified as a Variant of Uncertain Significance. This sequence change replaces glutamic acid, which is acidic and polar, with lysine, which is basic and polar, at codon 837 of the PKD2 protein (p.Glu837Lys). This variant is present in population databases (rs573742641, gnomAD 0.03%). This variant has not been reported in the literature in individuals affected with PKD2-related conditions. Advanced modeling of protein sequence and biophysical properties (such as structural, functional, and spatial information, amino acid conservation, physicochemical variation, residue mobility, and thermodynamic stability) performed at Invitae indicates that this missense variant is not expected to disrupt PKD2 protein function.